The following is an entry in ClinVar:

ClinVar aggregate classification (germline): Uncertain significance (1 of 4 stars; one submission).

Submission:

Labcorp Genetics (formerly Invitae), Labcorp
Classification: Uncertain significance. Last evaluated: 2020-09-12. Review status: criteria provided, single submitter. Criteria: Invitae Variant Classification Sherloc (09022015). Collection method: clinical testing. Allele origin: germline.
Comment: In summary, the available evidence is currently insufficient to determine the role of this variant in disease. Therefore, it has been classified as a Variant of Uncertain Significance. Experimental studies and prediction algorithms are not available or were not evaluated, and the functional significance of this variant is currently unknown. This variant has not been reported in the literature in individuals with GEN1-related conditions. This variant is not present in population databases (ExAC no frequency). This variant, c.1206_1207insCGA, results in the insertion of 1 amino acid(s) to the GEN1 protein (p.Ile402_Val403insArg), but otherwise preserves the integrity of the reading frame.

NM_001130009.3(GEN1):c.1206_1207insCGA (p.Ile402_Val403insArg)

Gene: GEN1 (GEN1 structure-specific endonuclease; plus strand). Cytogenetic location: 2p24.2.
Variant type: Insertion.
Coding change: c.1206_1207insCGA on transcript NM_001130009.3 (MANE Select); coding-DNA positions 1206 to 1207, CGA inserted.
Protein change: p.Ile402_Val403insArg.
Molecular consequence: inframe insertion.
Genome position: GRCh38 VCF-style: chr2-17778005-T-TCGA. GRCh37 (hg19) VCF-style: chr2-17959272-T-TCGA.
Other names: c.1206_1207insCGA, p.Ile402_Val403insArg (NM_182625.5).
Identifiers: ClinVar variation 1037519 (VCV001037519.8), dbSNP rs1672523032, ClinGen allele CA2491974309.